The following is an entry in ClinVar:

NM_005902.4(SMAD3):c.533-3C>T

Gene: SMAD3 (SMAD family member 3; plus strand). Cytogenetic location: 15q22.33.
Variant type: single nucleotide variant.
Coding change: c.533-3C>T on transcript NM_005902.4 (MANE Select); 3 bases into the intron before coding-DNA position 533, C replaced by T.
Molecular consequence: intron variant.
Genome position (GRCh38, 1-based): chr15:67,166,776, C>T. VCF-style: chr15-67166776-C-T. GRCh37 (hg19) VCF-style: chr15-67459114-C-T.
Other names: c.533-3C>T (NM_001407011.1, NM_001407013.1); c.401-3C>T (NM_001407012.1, NM_001145103.2); c.386-3C>T (NM_001407014.1); c.218-3C>T (NM_001145102.2, NM_001407016.1); c.86-3C>T (NM_001407015.1); c.-53-3C>T (NM_001145104.2, NM_001407017.1).
Identifiers: ClinVar variation 2774509 (VCV002774509.4), dbSNP rs1157725695, ClinGen allele CA618686815.

ClinVar aggregate classification (germline): Conflicting classifications of pathogenicity. Review status: criteria provided, conflicting classifications (1 of 4 stars). 2 submissions from 2 submitters: Uncertain significance (1); Likely benign (1). Last evaluated 2024-08-27.

Conditions:
Familial thoracic aortic aneurysm and aortic dissection (TAAD). Also called: Thoracic aortic aneurysms and dissections. Identifiers: Orphanet 91387, MedGen C4707243, MONDO:0019625.

Allele frequency attached by ClinVar (database versions not stated): gnomAD exomes below 0.00001.

Submissions (2):

Labcorp Genetics (formerly Invitae), Labcorp
Classification: Uncertain significance for Familial thoracic aortic aneurysm and aortic dissection. Last evaluated: 2024-08-27. Review status: criteria provided, single submitter. Criteria: Invitae Variant Classification Sherloc (09022015). Collection method: clinical testing. Allele origin: germline.
Comment: This sequence change falls in intron 3 of the SMAD3 gene. It does not directly change the encoded amino acid sequence of the SMAD3 protein. It affects a nucleotide within the consensus splice site. This variant is present in population databases (no rsID available, gnomAD 0.007%). This variant has not been reported in the literature in individuals affected with SMAD3-related conditions. Variants that disrupt the consensus splice site are a relatively common cause of aberrant splicing (PMID: 17576681, 9536098). Algorithms developed to predict the effect of sequence changes on RNA splicing suggest that this variant is not likely to affect RNA splicing. In summary, the available evidence is currently insufficient to determine the role of this variant in disease. Therefore, it has been classified as a Variant of Uncertain Significance.

Color Diagnostics, LLC DBA Color Health
Classification: Likely benign for Familial thoracic aortic aneurysm and aortic dissection. Last evaluated: 2023-06-05. Review status: criteria provided, single submitter. Criteria: ACMG Guidelines, 2015. Collection method: clinical testing. Allele origin: germline.

Literature cited by the submitters: PubMed 17576681 (cited by Labcorp Genetics (formerly Invitae), Labcorp); PubMed 9536098 (cited by Labcorp Genetics (formerly Invitae), Labcorp).